The following is an entry in ClinVar:

ClinVar aggregate classification (germline): Pathogenic/Likely pathogenic. Review status: criteria provided, multiple submitters, no conflicts (2 of 4 stars). 4 submissions from 4 submitters: Pathogenic (3); Likely pathogenic (1). Last evaluated 2025-11-10.

Conditions:
Inherited breast cancer and ovarian cancer.
Hereditary cancer-predisposing syndrome. Also called: Neoplastic Syndromes, Hereditary; Tumor predisposition; Hereditary Cancer Syndrome; Hereditary neoplastic syndrome. Identifiers: Orphanet 140162, MedGen C0027672, MeSH D009386, MONDO:0015356.
Familial cancer of breast. Also called: BREAST CANCER, FAMILIAL; Hereditary breast cancer; hereditary breast carcinoma. Identifiers: Orphanet 227535, MedGen C0346153, MONDO:0016419, OMIM 114480. Disease mechanism: loss of function.

Submissions (4):

Genetics Laboratory, Great Ormond Street Hospital NHS Foundation Trust, North Thames Genomic Laboratory Hub
Classification: Pathogenic for Inherited breast cancer and ovarian cancer. Last evaluated: 2025-11-10. Review status: criteria provided, single submitter. Criteria: CanVIG PALB2 Gene Specific V1.2. Collection method: clinical testing. Allele origin: germline. Affected: yes.
Comment: PM2_supporting, PVS1_very-strong, PM5_supporting

Myriad Genetics, Inc.
Classification: Pathogenic for Familial cancer of breast. Last evaluated: 2023-09-11. Review status: criteria provided, single submitter. Criteria: Myriad Autosomal Dominant, Autosomal Recessive and X-Linked Classification Criteria (2023). Collection method: clinical testing. Allele origin: unknown.
Comment: This variant is considered pathogenic. This variant creates a frameshift predicted to result in premature protein truncation.

Baylor Genetics
Classification: Likely pathogenic for Familial cancer of breast. Last evaluated: 2023-01-24. Review status: criteria provided, single submitter. Criteria: ACMG Guidelines, 2015. Collection method: clinical testing. Allele origin: unknown.

Ambry Genetics
Classification: Pathogenic for Hereditary cancer-predisposing syndrome. Last evaluated: 2020-02-25. Review status: criteria provided, single submitter. Criteria: Ambry Variant Classification Scheme 2023. Collection method: clinical testing. Allele origin: germline.
Comment: The c.1641_1669del29 pathogenic mutation, located in coding exon 4 of the PALB2 gene, results from a deletion of 29 nucleotides at nucleotide positions 1641 to 1669, causing a translational frameshift with a predicted alternate stop codon (p.S548Yfs*20). This alteration is expected to result in loss of function by premature protein truncation or nonsense-mediated mRNA decay. As such, this alteration is interpreted as a disease-causing mutation.

NM_024675.4(PALB2):c.1641_1669del (p.Ser548fs)

Gene: PALB2 (partner and localizer of BRCA2; minus strand). Cytogenetic location: 16p12.2.
Variant type: Deletion.
Coding change: c.1641_1669del on transcript NM_024675.4 (MANE Select); coding-DNA positions 1641 to 1669, 29 bases deleted (CTCACACAAATATCAGCACGAAAAATTAT).
Protein change: p.Ser548fs; shifts the reading frame from serine 548.
Molecular consequence: frameshift variant.
Genome position (GRCh38, 1-based): chr16:23,634,877-23,634,905, ATAATTTTTCGTGCTGATATTTGTGTGAG deleted on the plus strand (CTCACACAAATATCAGCACGAAAAATTAT on the coding strand, the reverse complement: PALB2 is on the minus strand). VCF-style (leftmost placement, unchanged base first): chr16-23634876-AATAATTTTTCGTGCTGATATTTGTGTGAG-A. GRCh37 (hg19) VCF-style: chr16-23646197-AATAATTTTTCGTGCTGATATTTGTGTGAG-A.
Other names: c.1581_1609del29, p.Ser528Tyrfs (NM_001407296.1); c.1641_1669del29, p.Ser548Tyrfs (NM_001407297.1, NM_001407298.1, NM_001407299.1 and 3 more transcripts); c.756_784del29, p.Ser253Tyrfs (NM_001407304.1, NM_001407305.1, NM_001407306.1 and 5 more transcripts); short protein forms S548fs.
Identifiers: ClinVar variation 1777038 (VCV001777038.5), dbSNP rs2506469663, ClinGen allele CA2580091239.